The following is an entry in ClinVar:

ClinVar aggregate classification (germline): Uncertain significance (1 of 4 stars; one submission).

Submission:

Labcorp Genetics (formerly Invitae), Labcorp
Classification: Uncertain significance. Last evaluated: 2022-08-20. Review status: criteria provided, single submitter. Criteria: Invitae Variant Classification Sherloc (09022015). Collection method: clinical testing. Allele origin: germline.
Comment: In summary, the available evidence is currently insufficient to determine the role of this variant in disease. Therefore, it has been classified as a Variant of Uncertain Significance. Experimental studies and prediction algorithms are not available or were not evaluated, and the functional significance of this variant is currently unknown. This variant has not been reported in the literature in individuals affected with TRIM8-related conditions. This variant is not present in population databases (gnomAD no frequency). This variant, c.503_505del, results in the deletion of 1 amino acid(s) of the TRIM8 protein (p.Cys168del), but otherwise preserves the integrity of the reading frame.

NM_030912.3(TRIM8):c.500GCT[1] (p.Cys168del)

Gene: TRIM8 (tripartite motif containing 8; plus strand). Cytogenetic location: 10q24.32.
Variant type: Microsatellite.
Coding change: c.500GCT[1] on transcript NM_030912.3 (MANE Select); one copy of the 3-base unit GCT starting at c.500; the reference has two copies in a row; one copy, 3 bases deleted.
Protein change: p.Cys168del; deletes cysteine 168.
Molecular consequence: inframe deletion. On other transcripts: non-coding transcript variant (1).
Genome position (GRCh38, 1-based): chr10:102,645,120-102,645,122, GCT deleted; deleting any 3 consecutive bases within chr10:102,645,115-102,645,122 gives the same sequence; the position shown is the placement nearest the transcript's 3' end. VCF-style (leftmost placement, unchanged base first): chr10-102645114-ACTG-A. GRCh37 (hg19) VCF-style: chr10-104404871-ACTG-A.
Other names: c.500GCT[1], p.Cys168del (NM_001345950.1); short protein forms C168del.
Identifiers: ClinVar variation 2025258 (VCV002025258.4), dbSNP rs2492888438, ClinGen allele CA2580616863.
Genomic context (GRCh38, chr10:102,645,114, plus strand): 5'-CGCAGCACAACGCCTACCGCCTCTACCACTGCGAGGCCGAGCAGGTGGCCGTGTGCCAGT[ACTG>A]CTGCTACTACAGCGGCGCGCATCAGGGACACTCGGTGTGCGACGTGGAGATCCGAAGGAA-3'